The following is an entry in ClinVar:

NM_001447.3(FAT2):c.10552C>T (p.Arg3518Cys)

Genes: FAT2 (FAT atypical cadherin 2; minus strand), SLC36A1 (solute carrier family 36 member 1; plus strand), LOC132089193 (Neanderthal introgressed variant-containing enhancer experimental_82555; plus strand). Cytogenetic location: 5q33.1.
Variant type: single nucleotide variant.
Coding change: c.10552C>T on transcript NM_001447.3 (MANE Select); coding-DNA position 10552, C replaced by T.
Protein change: p.Arg3518Cys; replaces arginine 3518 with cysteine.
Molecular consequence: missense variant.
Genome position (GRCh38, 1-based): chr5:151,522,041, G>A on the plus strand (C>T on the coding strand, the complement: FAT2 is on the minus strand). VCF-style: chr5-151522041-G-A. GRCh37 (hg19) VCF-style: chr5-150901602-G-A.
Other names: short protein forms R3518C.
Identifiers: ClinVar variation 2959675 (VCV002959675.3), dbSNP rs746643761, ClinGen allele CA3520207.

ClinVar aggregate classification (germline): Uncertain significance (1 of 4 stars; one submission).

Allele frequency attached by ClinVar (database versions not stated): gnomAD 0.00002; TOPMed below 0.00001.
gnomAD v4.1: 20 of 1,607,648 alleles (0.0012%); highest among the groups gnomAD compares: Middle Eastern, 0.017%; no homozygotes.

Submission:

Labcorp Genetics (formerly Invitae), Labcorp
Classification: Uncertain significance. Last evaluated: 2025-08-29. Review status: criteria provided, single submitter. Criteria: Invitae Variant Classification Sherloc (09022015). Collection method: clinical testing. Allele origin: germline.
Comment: This sequence change replaces arginine, which is basic and polar, with cysteine, which is neutral and slightly polar, at codon 3518 of the FAT2 protein (p.Arg3518Cys). The frequency data for this variant in the population databases is considered unreliable, as metrics indicate poor data quality at this position in the gnomAD database. This variant has not been reported in the literature in individuals affected with FAT2-related conditions. ClinVar contains an entry for this variant (Variation ID: 2959675). An algorithm developed to predict the effect of missense changes on protein structure and function (PolyPhen-2) suggests that this variant is likely to be disruptive. In summary, the available evidence is currently insufficient to determine the role of this variant in disease. Therefore, it has been classified as a Variant of Uncertain Significance.